The following is an entry in ClinVar:

NM_007078.3(LDB3):c.895A>T (p.Ser299Cys)

Gene: LDB3 (LIM domain binding 3; plus strand). Cytogenetic location: 10q23.2.
Variant type: single nucleotide variant.
Coding change: c.895A>T on transcript NM_007078.3 (MANE Select); coding-DNA position 895, A replaced by T.
Protein change: p.Ser299Cys; replaces serine 299 with cysteine.
Molecular consequence: missense variant.
Genome position (GRCh38, 1-based): chr10:86,692,570, A>T. VCF-style: chr10-86692570-A-T. GRCh37 (hg19) VCF-style: chr10-88452327-A-T.
Other names: c.754A>T, p.Arg252Trp (NM_001080114.2, NM_001080116.1, NM_001368067.1 and 1 more transcripts); c.895A>T, p.Arg299Trp (NM_001080115.2, NM_001368063.1, NM_001368064.1 and 1 more transcripts); c.1099A>T, p.Arg367Trp (NM_001171610.2, NM_001171611.2); c.754A>T, p.Ser252Cys (NM_001368066.1); short protein forms R299W, R367W, S252C, R252W, S299C.
Identifiers: ClinVar variation 4097081 (VCV004097081.1).

ClinVar aggregate classification (germline): Uncertain significance (1 of 4 stars; one submission).

Conditions:
Cardiovascular phenotype. Identifiers: MedGen CN230736.

Submission:

Ambry Genetics
Classification: Uncertain significance for Cardiovascular phenotype. Last evaluated: 2025-08-19. Review status: criteria provided, single submitter. Criteria: Ambry Variant Classification Scheme 2023. Collection method: clinical testing. Allele origin: germline.
Comment: The p.S299C variant (also known as c.895A>T), located in coding exon 6 of the LDB3 gene, results from an A to T substitution at nucleotide position 895. The serine at codon 299 is replaced by cysteine, an amino acid with dissimilar properties. This amino acid position is conserved. In addition, this alteration is predicted to be deleterious by in silico analysis. Based on the available evidence, the clinical significance of this variant remains unclear.